The following is an entry in ClinVar:

ClinVar aggregate classification (germline): Uncertain significance. Review status: criteria provided, multiple submitters, no conflicts (2 of 4 stars). 2 submissions from 2 submitters: Uncertain significance (2). Last evaluated 2024-09-24.

Conditions:
Developmental and epileptic encephalopathy, 42 (DEE42A). Also called: DEVELOPMENTAL AND EPILEPTIC ENCEPHALOPATHY 42A; EPILEPTIC ENCEPHALOPATHY, EARLY INFANTILE, 42A; Epileptic encephalopathy, early infantile, 42. Identifiers: MedGen C4310716, MONDO:0014917, OMIM 617106.
Episodic ataxia type 2 (EA2). Also called: CEREBELLAR ATAXIA, PAROXYSMAL, ACETAZOLAMIDE-RESPONSIVE; CEREBELLOPATHY, HEREDITARY PAROXYSMAL; EPISODIC ATAXIA, NYSTAGMUS-ASSOCIATED; ACETAZOLAMIDE-RESPONSIVE HEREDITARY PAROXYSMAL CEREBELLAR ATAXIA; ATAXIA, EPISODIC, WITH NYSTAGMUS; ATAXIA, FAMILIAL PAROXYSMAL. Identifiers: Orphanet 97, MedGen C1720416, MONDO:0007163, OMIM 108500.

Allele frequency attached by ClinVar (database versions not stated): gnomAD exomes below 0.00001.
gnomAD v4.1: 7 of 1,613,840 alleles (0.00043%); highest among the groups gnomAD compares: Non-Finnish European, 0.00051%; no homozygotes.

Submissions (2):

Labcorp Genetics (formerly Invitae), Labcorp
Classification: Uncertain significance for Developmental and epileptic encephalopathy, 42; Episodic ataxia type 2. Last evaluated: 2024-09-24. Review status: criteria provided, single submitter. Criteria: Invitae Variant Classification Sherloc (09022015). Collection method: clinical testing. Allele origin: germline.
Comment: This sequence change replaces arginine, which is basic and polar, with glutamine, which is neutral and polar, at codon 1273 of the CACNA1A protein (p.Arg1273Gln). This variant is not present in population databases (gnomAD no frequency). This variant has not been reported in the literature in individuals affected with CACNA1A-related conditions. ClinVar contains an entry for this variant (Variation ID: 943253). Invitae Evidence Modeling of protein sequence and biophysical properties (such as structural, functional, and spatial information, amino acid conservation, physicochemical variation, residue mobility, and thermodynamic stability) indicates that this missense variant is not expected to disrupt CACNA1A protein function with a negative predictive value of 95%. In summary, the available evidence is currently insufficient to determine the role of this variant in disease. Therefore, it has been classified as a Variant of Uncertain Significance.

GeneDx
Classification: Uncertain significance. Last evaluated: 2022-01-21. Review status: criteria provided, single submitter. Criteria: GeneDx Variant Classification Process June 2021. Collection method: clinical testing. Allele origin: germline. Affected: yes.
Comment: Has not been previously published as pathogenic or benign to our knowledge; In silico analysis supports that this missense variant has a deleterious effect on protein structure/function

NM_001127222.2(CACNA1A):c.3815G>A (p.Arg1272Gln)

Gene: CACNA1A (calcium voltage-gated channel subunit alpha1 A; minus strand). Cytogenetic location: 19p13.13.
Variant type: single nucleotide variant.
Coding change: c.3815G>A on transcript NM_001127222.2 (MANE Select); coding-DNA position 3815, G replaced by A.
Protein change: p.Arg1272Gln; replaces arginine 1272 with glutamine.
Molecular consequence: missense variant.
Genome position (GRCh38, 1-based): chr19:13,283,274, C>T on the plus strand (G>A on the coding strand, the complement: CACNA1A is on the minus strand). VCF-style: chr19-13283274-C-T. GRCh37 (hg19) VCF-style: chr19-13394088-C-T.
Other names: c.3827G>A, p.Arg1276Gln (NM_000068.4, NM_023035.3); c.3818G>A, p.Arg1273Gln (NM_001127221.2, NM_001174080.2); short protein forms R1272Q, R1276Q, R1273Q.
Identifiers: ClinVar variation 943253 (VCV000943253.11), dbSNP rs2057331138, ClinGen allele CA404340540.